The following continues an entry in ClinVar:

NM_000142.5(FGFR3):c.1138G>A (p.Gly380Arg)

Gene: FGFR3. ClinVar aggregate classification (germline): Pathogenic. Pathogenic (57).

Submissions 49 to 70 of 70:

GeneDx
Classification: Pathogenic. Last evaluated: 2020-02-17. Review status: criteria provided, single submitter. Criteria: GeneDx Variant Classification Process June 2021. Collection method: clinical testing. Allele origin: germline. Affected: yes.
Comment: More than 99% of cases of achondroplasia are caused by this variant (98% cases) and another point mutation (c.1138 G>C, 1% cases) resulting in arginine-for-glycine substitutions in amino acid 380 of the gene (Foldynova-Trantirkova et al., 2012); Published functional studies demonstrate an increase in dimerization of FGFR3 that subsequently increases its cellular activity in the absence of ligands (Placone et al., 2012; Webster et al., 1996); Not observed in large population cohorts (Lek et al., 2016); This variant is associated with the following publications: (PMID: 10360392, 10360393, 21739570, 25691418, 23740942, 23949953, 9857065, 28851938, 21324899, 11186940, 25614871, 11556601, 8599935, 27433940, 16841094, 19088846, 26136890, 8078586, 27370225, 29681095, 28679403, 28850094, 28230213, 28253570, 16475234, 28777845, 18266238, 30138938, 29620724, 30692697, 31218223, 31299979, 30712878, 32502767, 31994750, 32360156, 32668031, 33502061, 32712949, 33240318, 22045636, 23056398, 7913883)

Fulgent Genetics
Classification: Pathogenic for Achondroplasia; Malignant tumor of urinary bladder; Colorectal cancer; Hypochondroplasia; LADD syndrome 1; Epidermal nevus; Thanatophoric dysplasia type 1; Thanatophoric dysplasia, type 2; Germ cell tumor of testis; Muenke syndrome; Cervical cancer; Camptodactyly-tall stature-scoliosis-hearing loss syndrome; Crouzon syndrome-acanthosis nigricans syndrome; Severe achondroplasia-developmental delay-acanthosis nigricans syndrome. Last evaluated: 2018-10-31. Review status: criteria provided, single submitter. Criteria: ACMG Guidelines, 2015. Collection method: clinical testing. Allele origin: unknown.

Department of Genetics, Sultan Qaboos University Hospital
Classification: Pathogenic for Achondroplasia. Last evaluated: 2017-12-30. Review status: criteria provided, single submitter. Criteria: ACMG Guidelines, 2015. Collection method: curation. Allele origin: unknown. Inheritance: Autosomal dominant inheritance. Affected: yes.

Eurofins Ntd Llc (ga)
Classification: Pathogenic. Last evaluated: 2017-08-22. Review status: criteria provided, single submitter. Criteria: EGL Classification Definitions 2015. Collection method: clinical testing. Allele origin: germline. Observed: 9 variant alleles, 9 heterozygotes.

Clinical Genetics and Genomics, Karolinska University Hospital
Classification: Pathogenic. Last evaluated: 2014-08-15. Review status: criteria provided, single submitter. Criteria: ACMG Guidelines, 2015. Collection method: clinical testing. Allele origin: germline. Affected: yes. Observed: 13 variant alleles.

Center of Excellence in Precision Medicine and Digital Health (CEPMDH), Faculty of Dentistry, Chulalongkorn University
Classification: Pathogenic for Achondroplasia. Review status: criteria provided, single submitter. Criteria: ACMG Guidelines, 2015. Collection method: clinical testing. Allele origin: germline. Inheritance: Autosomal dominant inheritance. Affected: yes. Observed: 1 variant allele, 1 heterozygote.
Comment: This mutation was commonly identified in ACH patients (Bellus et al., 1995).

Clinical Genetics Service, Universitary Hospital 12 de Octubre
Classification: Pathogenic for Achondroplasia. Review status: criteria provided, single submitter. Criteria: ACMG Guidelines, 2015. Collection method: clinical testing. Allele origin: de novo. Affected: yes.

Juno Genomics, Hangzhou Juno Genomics, Inc
Classification: Pathogenic for Achondroplasia; Malignant tumor of urinary bladder; Camptodactyly-tall stature-scoliosis-hearing loss syndrome; Cervical cancer; Colorectal cancer; Crouzon syndrome-acanthosis nigricans syndrome; Hypochondroplasia; Lacrimoauriculodentodigital syndrome 2; Muenke syndrome; Epidermal nevus; Severe achondroplasia-developmental delay-acanthosis nigricans syndrome; Germ cell tumor of testis; Thanatophoric dysplasia type 1; Thanatophoric dysplasia, type 2. Review status: criteria provided, single submitter. Criteria: ACMG Guidelines, 2015. Collection method: clinical testing. Allele origin: germline. Affected: yes.
Comment: Absent from controls (or at extremely low frequency if recessive) in Genome Aggregation Database.;The prevalence of the variant in affected individuals is significantly increased compared to the prevalence in controls.;De novo (both maternity and paternity confirmed) in a patient with the disease and no family history.;Well-established in vitro or in vivo functional studies supportive of a damaging effect on the gene or gene product.

Medical Genetics and Prenatal Diagnosis Center, Guangxi Academy of Medical Sciences and the People’s Hospital of Guangxi Zhuang Autonomous Region
Classification: Pathogenic for Achondroplasia. Review status: criteria provided, single submitter. Criteria: ACMG Guidelines, 2015. Collection method: clinical testing. Allele origin: de novo. Affected: yes.
Comment: NM_000142.5(FGFR3):c.1138G>A: is a missense mutation predicted to affect gene function. This variant is a de novo mutation validated by family analysis;literature reports this variant has been identified as a de novo variant in a significant number of patients. [PMID:11186940] (PS2_VeryStrong); the frequency of this variant is higher in patients than in control populations, and it has been detected in multiple unrelated patients with congenital achondroplasia in the literature [PMID: 11186940;25691418;7847369] (PS4); Predictions from multiple statistical methods (REVEL) indicate this variant causes a deleterious effect on the gene or its product (PP3); This variant was not detected in the 1000 Genomes Project (1000G), the China Genome Database, the Human Exome Atlas (ExAC), or the Genomic Adverse Event Database (gnomAD) (PM2_Supporting). In summary, based on the evidence presented and in accordance with the ACMG Guidelines, 2015 (PMID: 25741868), the above evidence supports a pathogenic variant in Achondroplasia, classified as PS2_VeryStrong, PS4, PP3, PM2_Supporting.

Genetics laboratory, Institute of Kidney Diseases & Research Centre Dr. H.L. Trivedi Institute Of Transplantation Sciences
Classification: Pathogenic for Achondroplasia. Last evaluated: 2024-03-12. Review status: no assertion criteria provided. Collection method: clinical testing. Allele origin: germline. Inheritance: Autosomal dominant inheritance. Affected: yes. Observed: 1 variant allele, 1 heterozygote. Not counted in ClinVar's aggregate classification.
Comment: A heterozygous missense variant c.1138G>A in exon 9 of FGFR3 gene (chr4:1806119; Depth: 96x) was detected. The missense variant p.G380R in FGFR3 (NM_000142.4) is a common mutation implicated in patients with achondroplasia (Pauli M et al). It has been classified as pathogenic in the ClinVar database. The glycine residue at codon 380 of FGFR3 is conserved in all mammalian species. The nucleotide c.1138 in FGFR3 is predicted conserved by GERP++ and PhyloP across 100 vertebrates. For these reasons, this variant has been classified as Pathogenic.

Department of Pediatrics, Taizhou Central Hospital, Taizhou University Hospital
Classification: Pathogenic for Achondroplasia. Last evaluated: 2024-02-01. Review status: no assertion criteria provided. Collection method: clinical testing. Allele origin: de novo. Affected: yes. Observed: 1 variant allele. Not counted in ClinVar's aggregate classification.

Department of Genetics, Beijing BioBiggen Technology Co., Ltd.
Classification: Pathogenic for Achondroplasia. Last evaluated: 2022-06-29. Review status: no assertion criteria provided. Collection method: research. Allele origin: germline. Affected: yes. Observed: 2 variant alleles. Not counted in ClinVar's aggregate classification.

Institute Of Reproduction And Development, Obstetrics and Gynecology Hospital, Fudan University
Classification: Pathogenic for Achondroplasia. Last evaluated: 2022-03-16. Review status: no assertion criteria provided. Collection method: research. Allele origin: germline. Affected: yes. Observed: 6 variant alleles. Clinical features observed: Short long bone (HP:0003026), Increased nuchal translucency (HP:0010880), Increased head circumference (HP:0040194), Short fetal femur length (HP:0011428), Short humerus (HP:0005792), shortened fibula, Short femur (HP:0003097), Fetal growth restriction (HP:0001511). Not counted in ClinVar's aggregate classification.

Biochemical Molecular Genetic Laboratory, King Abdulaziz Medical City
Classification: Pathogenic for Achondroplasia. Last evaluated: 2020-10-11. Review status: no assertion criteria provided. Collection method: clinical testing. Allele origin: germline. Affected: yes. Not counted in ClinVar's aggregate classification.

Bioscientia Institut fuer Medizinische Diagnostik GmbH, Sonic Healthcare
Classification: Pathogenic for Achondroplasia. Last evaluated: 2018-06-18. Review status: no assertion criteria provided. Collection method: clinical testing. Allele origin: germline. Affected: yes. Not counted in ClinVar's aggregate classification.

OMIM
Classification: Pathogenic for ACHONDROPLASIA. Last evaluated: 2011-04-15. Review status: no assertion criteria provided. Collection method: literature only. Allele origin: germline. Not counted in ClinVar's aggregate classification.

OMIM
Classification: Pathogenic for NEVUS, EPIDERMAL, SOMATIC. Last evaluated: 2011-04-15. Review status: no assertion criteria provided. Collection method: literature only. Allele origin: somatic. Not counted in ClinVar's aggregate classification.

Clinical Genetics DNA and cytogenetics Diagnostics Lab, Erasmus MC, Erasmus Medical Center
Classification: Pathogenic. Review status: no assertion criteria provided. Collection method: clinical testing. Allele origin: germline. Affected: yes. Study: VKGL Data-share Consensus. Not counted in ClinVar's aggregate classification.

Diagnostic Laboratory, Department of Genetics, University Medical Center Groningen
Classification: Pathogenic. Review status: no assertion criteria provided. Collection method: clinical testing. Allele origin: germline. Affected: yes. Study: VKGL Data-share Consensus. Not counted in ClinVar's aggregate classification.

GeneReviews
No classification provided. Condition: Hypochondroplasia. Review status: no classification provided. Collection method: literature only. Allele origin: germline. Not counted in ClinVar's aggregate classification.
Comment: Common pathogenic variant in achondroplasia

Joint Genome Diagnostic Labs from Nijmegen and Maastricht, Radboudumc and MUMC+
Classification: Pathogenic. Review status: no assertion criteria provided. Collection method: clinical testing. Allele origin: germline. Affected: yes. Study: VKGL Data-share Consensus. Not counted in ClinVar's aggregate classification.

Laboratory of Diagnostic Genome Analysis, Leiden University Medical Center (LUMC)
Classification: Pathogenic. Review status: no assertion criteria provided. Collection method: clinical testing. Allele origin: germline. Affected: yes. Study: VKGL Data-share Consensus. Not counted in ClinVar's aggregate classification.

Literature cited by the submitters: PubMed 22045636 (cited by 4 submitters); PubMed 25614871 (cited by 10 submitters).